The following is an entry in ClinVar:

NM_004260.4(RECQL4):c.3503G>C (p.Gly1168Ala)

Gene: RECQL4 (RecQ like helicase 4; minus strand). Cytogenetic location: 8q24.3.
Variant type: single nucleotide variant.
Coding change: c.3503G>C on transcript NM_004260.4 (MANE Select); coding-DNA position 3503, G replaced by C.
Protein change: p.Gly1168Ala; replaces glycine 1168 with alanine.
Molecular consequence: missense variant. On other transcripts: non-coding transcript variant (3).
Genome position (GRCh38, 1-based): chr8:144,511,555, C>G on the plus strand (G>C on the coding strand, the complement: RECQL4 is on the minus strand). VCF-style: chr8-144511555-C-G. GRCh37 (hg19) VCF-style: chr8-145736938-C-G.
Other names: c.3209G>C, p.Gly1070Ala (NM_001413017.1); c.3305G>C, p.Gly1102Ala (NM_001413018.1); c.3578G>C, p.Gly1193Ala (NM_001413019.1); c.3407G>C, p.Gly1136Ala (NM_001413020.1); c.2432G>C, p.Gly811Ala (NM_001413021.1, NM_001413022.1, NM_001413024.1 and 4 more transcripts); c.2507G>C, p.Gly836Ala (NM_001413023.1); c.3374G>C, p.Gly1125Ala (NM_001413025.1); c.2366G>C, p.Gly789Ala (NM_001413027.1, NM_001413030.1, NM_001413032.1); and 9 more; short protein forms G1125A, G1136A, G836A, G1051A, G1070A, G1102A, G1171A, G1193A.
Identifiers: ClinVar variation 4152444 (VCV004152444.1).

ClinVar aggregate classification (germline): Uncertain significance (1 of 4 stars; one submission).

Conditions:
Inborn genetic diseases. Identifiers: MedGen C0950123, MeSH D030342.

Submission:

Ambry Genetics
Classification: Uncertain significance for Inborn genetic diseases. Last evaluated: 2025-09-13. Review status: criteria provided, single submitter. Criteria: Ambry Variant Classification Scheme 2023. Collection method: clinical testing. Allele origin: germline.
Comment: The c.3503G>C variant (also known as p.G1168A), located in coding exon 21 of the RECQL4 gene, results from a G to C substitution at nucleotide position 3503. The amino acid change results in glycine to alanine at codon 1168, an amino acid with similar properties. However, this change occurs in the last base pair of coding exon 21, which makes it likely to have some effect on normal mRNA splicing. This amino acid position is conserved. In addition, the in silico prediction for this alteration is inconclusive. Based on the available evidence, the clinical significance of this variant remains unclear.